The following is an entry in ClinVar:

ClinVar aggregate classification (germline): Uncertain significance (1 of 4 stars; one submission).

Allele frequency attached by ClinVar (database versions not stated): gnomAD 0.00001.
gnomAD v4.1: 11 of 1,611,994 alleles (0.00068%); highest among the groups gnomAD compares: African/African-American, 0.0027%; no homozygotes.

Submission:

Labcorp Genetics (formerly Invitae), Labcorp
Classification: Uncertain significance. Last evaluated: 2021-09-24. Review status: criteria provided, single submitter. Criteria: Invitae Variant Classification Sherloc (09022015). Collection method: clinical testing. Allele origin: germline.
Comment: This sequence change replaces arginine with glutamine at codon 1703 of the SBF1 protein (p.Arg1703Gln). The arginine residue is weakly conserved and there is a small physicochemical difference between arginine and glutamine. This variant is present in population databases (rs367954544, ExAC 0.009%). This variant has not been reported in the literature in individuals with SBF1-related conditions. Algorithms developed to predict the effect of missense changes on protein structure and function (SIFT, PolyPhen-2, Align-GVGD) all suggest that this variant is likely to be tolerated, but these predictions have not been confirmed by published functional studies and their clinical significance is uncertain. In summary, the available evidence is currently insufficient to determine the role of this variant in disease. Therefore, it has been classified as a Variant of Uncertain Significance.

NM_002972.4(SBF1):c.5108G>A (p.Arg1703Gln)

Gene: SBF1 (SET binding factor 1; minus strand). Cytogenetic location: 22q13.33.
Variant type: single nucleotide variant.
Coding change: c.5108G>A on transcript NM_002972.4 (MANE Select); coding-DNA position 5108, G replaced by A.
Protein change: p.Arg1703Gln; replaces arginine 1703 with glutamine.
Molecular consequence: missense variant.
Genome position (GRCh38, 1-based): chr22:50,448,586, C>T on the plus strand (G>A on the coding strand, the complement: SBF1 is on the minus strand). VCF-style: chr22-50448586-C-T. GRCh37 (hg19) VCF-style: chr22-50887015-C-T.
Other names: c.5033G>A, p.Arg1678Gln (NM_001365819.1); short protein forms R1678Q, R1703Q.
Identifiers: ClinVar variation 1518539 (VCV001518539.5), dbSNP rs367954544, ClinGen allele CA10315992.
Genomic context (GRCh38, chr22:50,448,586, plus strand): 5'-CACTGGCCCTCACTCACACGGCCGTCTGGCCGGCCCTCGAGGCGCTGTGCAGCCTTCACC[C>T]GGTCCCAGGTGTCCTTCCAGCGCTCAGCGGGTTGGCCCAACTCTGTCTCCAGCCTCTGCA-3'
Protein context (NP_002963.2, residues 1693-1713): PAERWKDTWD[Arg1703Gln]VKAAQRLEGR